The following is an entry in ClinVar:

ClinVar aggregate classification (germline): Uncertain significance (1 of 4 stars; one submission).

Allele frequency attached by ClinVar (database versions not stated): gnomAD exomes 0.00001 and 0.00003; ExAC 0.00002; gnomAD 0.00002; TOPMed 0.00003.
gnomAD v4.1: 13 of 1,609,414 alleles (0.00081%); highest among the groups gnomAD compares: South Asian, 0.0055%; no homozygotes.

Submission:

Labcorp Genetics (formerly Invitae), Labcorp
Classification: Uncertain significance. Last evaluated: 2022-07-26. Review status: criteria provided, single submitter. Criteria: Invitae Variant Classification Sherloc (09022015). Collection method: clinical testing. Allele origin: germline.
Comment: In summary, the available evidence is currently insufficient to determine the role of this variant in disease. Therefore, it has been classified as a Variant of Uncertain Significance. Algorithms developed to predict the effect of missense changes on protein structure and function are either unavailable or do not agree on the potential impact of this missense change (SIFT: "Deleterious"; PolyPhen-2: "Benign"; Align-GVGD: "Class C15"). ClinVar contains an entry for this variant (Variation ID: 1355823). This variant has not been reported in the literature in individuals affected with DHX38-related conditions. This variant is present in population databases (rs777017958, gnomAD 0.02%). This sequence change replaces glutamic acid, which is acidic and polar, with lysine, which is basic and polar, at codon 607 of the DHX38 protein (p.Glu607Lys).

NM_014003.4(DHX38):c.1819G>A (p.Glu607Lys)

Gene: DHX38 (DEAH-box helicase 38; plus strand). Cytogenetic location: 16q22.2.
Variant type: single nucleotide variant.
Coding change: c.1819G>A on transcript NM_014003.4 (MANE Select); coding-DNA position 1819, G replaced by A.
Protein change: p.Glu607Lys; replaces glutamic acid 607 with lysine.
Molecular consequence: missense variant.
Genome position (GRCh38, 1-based): chr16:72,103,783, G>A. VCF-style: chr16-72103783-G-A. GRCh37 (hg19) VCF-style: chr16-72137682-G-A.
Other names: short protein forms E607K.
Identifiers: ClinVar variation 1355823 (VCV001355823.8), dbSNP rs777017958, ClinGen allele CA8160407.